The following is an entry in ClinVar:

NM_182914.3(SYNE2):c.15720A>C (p.Ala5240=)

Gene: SYNE2 (spectrin repeat containing nuclear envelope protein 2; plus strand). Cytogenetic location: 14q23.2.
Variant type: single nucleotide variant.
Coding change: c.15720A>C on transcript NM_182914.3 (MANE Select); coding-DNA position 15720, A replaced by C.
Protein change: p.Ala5240=; no amino-acid change (alanine 5240 retained).
Molecular consequence: synonymous variant.
Genome position (GRCh38, 1-based): chr14:64,152,644, A>C. VCF-style: chr14-64152644-A-C. GRCh37 (hg19) VCF-style: chr14-64619362-A-C.
Other names: c.15720A>C, p.Ala5240= (NM_015180.6).
Identifiers: ClinVar variation 313611 (VCV000313611.13), dbSNP rs370147066, ClinGen allele CA7223170.

ClinVar aggregate classification (germline): Benign. Review status: criteria provided, multiple submitters, no conflicts (2 of 4 stars). 3 submissions from 3 submitters: Benign (2). 1 of the submissions does not count toward it. Last evaluated 2025-06-09.

Conditions:
SYNE2-related disorder. Also called: SYNE2-related condition.
Emery-Dreifuss muscular dystrophy 5, autosomal dominant (EDMD5). Also called: EMERY-DREIFUSS MUSCULAR DYSTROPHY 5. Identifiers: Orphanet 261, MedGen C2751805, MONDO:0013072, OMIM 612999.

Allele frequency attached by ClinVar (database versions not stated): gnomAD 0.00006; TOPMed 0.00011; 1000 Genomes Project 30x 0.00031; 1000 Genomes Project 0.00040.
gnomAD v4.1: 90 of 1,614,168 alleles (0.0056%); highest among the groups gnomAD compares: East Asian, 0.15%; no homozygotes.

Submissions (3):

Labcorp Genetics (formerly Invitae), Labcorp
Classification: Benign for Emery-Dreifuss muscular dystrophy 5, autosomal dominant. Last evaluated: 2025-06-09. Review status: criteria provided, single submitter. Criteria: Invitae Variant Classification Sherloc (09022015). Collection method: clinical testing. Allele origin: germline.

Illumina Laboratory Services, Illumina
Classification: Benign for Emery-Dreifuss muscular dystrophy 5, autosomal dominant. Last evaluated: 2018-01-13. Review status: criteria provided, single submitter. Criteria: ICSL Variant Classification Criteria 13 December 2019. Collection method: clinical testing. Allele origin: germline.
Comment: This variant was observed in the ICSL laboratory as part of a predisposition screen in an ostensibly healthy population. It had not been previously curated by ICSL or reported in the Human Gene Mutation Database (HGMD: prior to June 1st, 2018), and was therefore a candidate for classification through an automated scoring system. Utilizing variant allele frequency, disease prevalence and penetrance estimates, and inheritance mode, an automated score was calculated to assess if this variant is too frequent to cause the disease. Based on the score and internal cut-off values, a variant classified as benign is not then subjected to further curation. The score for this variant resulted in a classification of benign for this disease.

PreventionGenetics, part of Exact Sciences
Classification: Likely benign for SYNE2-related condition. Last evaluated: 2019-08-01. Review status: no assertion criteria provided. Collection method: clinical testing. Allele origin: germline. Not counted in ClinVar's aggregate classification.
Comment: This variant is classified as likely benign based on ACMG/AMP sequence variant interpretation guidelines (Richards et al. 2015 PMID: 25741868, with internal and published modifications).